The following is an entry in ClinVar:

ClinVar aggregate classification (germline): Uncertain significance (1 of 4 stars; one submission).

Allele frequency attached by ClinVar (database versions not stated): gnomAD exomes below 0.00001; gnomAD 0.00001.

Submission:

Labcorp Genetics (formerly Invitae), Labcorp
Classification: Uncertain significance. Last evaluated: 2024-12-16. Review status: criteria provided, single submitter. Criteria: Invitae Variant Classification Sherloc (09022015). Collection method: clinical testing. Allele origin: germline.
Comment: This sequence change creates a premature translational stop signal (p.Phe180Ilefs*7) in the GNB3 gene. It is expected to result in an absent or disrupted protein product. However, the current clinical and genetic evidence is not sufficient to establish whether loss-of-function variants in GNB3 cause disease. This variant is not present in population databases (gnomAD no frequency). This variant has not been reported in the literature in individuals affected with GNB3-related conditions. ClinVar contains an entry for this variant (Variation ID: 1377674). In summary, the available evidence is currently insufficient to determine the role of this variant in disease. Therefore, it has been classified as a Variant of Uncertain Significance.

NM_002075.4(GNB3):c.536dup (p.Phe180fs)

Gene: GNB3 (G protein subunit beta 3; plus strand). Cytogenetic location: 12p13.31.
Variant type: Duplication.
Coding change: c.536dup on transcript NM_002075.4 (MANE Select); coding-DNA position 536, one base duplicated (T; older notation c.536dupT).
Protein change: p.Phe180fs; shifts the reading frame from phenylalanine 180.
Molecular consequence: frameshift variant.
Genome position (GRCh38, 1-based): chr12:6,843,815, T duplicated. VCF-style (leftmost placement, unchanged base first): chr12-6843814-G-GT. GRCh37 (hg19) VCF-style: chr12-6952978-G-GT.
Other names: c.533dup, p.Phe179fs (NM_001297571.2); short protein forms F180fs, F179fs.
Identifiers: ClinVar variation 1377674 (VCV001377674.6), dbSNP rs1565518931, ClinGen allele CA919015279.